The following is an entry in ClinVar:

NM_170784.3(MKKS):c.1311A>G (p.Glu437=)

Gene: MKKS (MKKS centrosomal shuttling protein; minus strand). Cytogenetic location: 20p12.2.
Variant type: single nucleotide variant.
Coding change: c.1311A>G on transcript NM_170784.3 (MANE Select); coding-DNA position 1311, A replaced by G.
Protein change: p.Glu437=; no amino-acid change (glutamic acid 437 retained).
Molecular consequence: synonymous variant. On other transcripts: non-coding transcript variant (1).
Genome position (GRCh38, 1-based): chr20:10,405,649, T>C on the plus strand (A>G on the coding strand, the complement: MKKS is on the minus strand). VCF-style: chr20-10405649-T-C. GRCh37 (hg19) VCF-style: chr20-10386297-T-C.
Other names: c.1311A>G, p.Glu437= (NM_018848.3).
Identifiers: ClinVar variation 2056804 (VCV002056804.5), dbSNP rs764654199, ClinGen allele CA9763497.

ClinVar aggregate classification (germline): Likely benign. Review status: criteria provided, multiple submitters, no conflicts (2 of 4 stars). 2 submissions from 2 submitters: Likely benign (2). Last evaluated 2026-08-07.

Conditions:
MKKS-related disorder. Also called: MKKS-related disorders; MKKS-related condition.
Bardet-Biedl syndrome (BBS). Identifiers: Orphanet 110, MedGen C0752166, MONDO:0015229.
McKusick-Kaufman syndrome (MKKS). Also called: HYDROMETROCOLPOS SYNDROME; HYDROMETROCOLPOS, POSTAXIAL POLYDACTYLY, AND CONGENITAL HEART MALFORMATION. Identifiers: Orphanet 2473, MedGen C0948368, MONDO:0009367, OMIM 236700.

gnomAD v4.1: 18 of 1,614,062 alleles (0.0011%); highest among the groups gnomAD compares: South Asian, 0.019%; no homozygotes.

Submissions (2):

PreventionGenetics, part of Exact Sciences
Classification: Likely benign for MKKS-related condition. Last evaluated: 2026-08-07. Review status: criteria provided, single submitter. Criteria: ACMG Guidelines, 2015. Collection method: clinical testing. Allele origin: germline.
Comment: This variant is classified as likely benign based on ACMG/AMP sequence variant interpretation guidelines (Richards et al. 2015 PMID: 25741868, with internal and published modifications).

Labcorp Genetics (formerly Invitae), Labcorp
Classification: Likely benign for McKusick-Kaufman syndrome; Bardet-Biedl syndrome. Last evaluated: 2024-02-24. Review status: criteria provided, single submitter. Criteria: Invitae Variant Classification Sherloc (09022015). Collection method: clinical testing. Allele origin: germline.